The following is an entry in ClinVar:

ClinVar aggregate classification (germline): Uncertain significance (1 of 4 stars; one submission).

Conditions:
Leber congenital amaurosis 6 (LCA6). Identifiers: Orphanet 65, MedGen C1854260, MONDO:0013446, OMIM 613826.
Cone-rod dystrophy 13 (CORD13). Identifiers: Orphanet 1872, MedGen C2750720, MONDO:0011987, OMIM 608194.

Submission:

Labcorp Genetics (formerly Invitae), Labcorp
Classification: Uncertain significance for Leber congenital amaurosis 6; Cone-rod dystrophy 13. Last evaluated: 2024-01-06. Review status: criteria provided, single submitter. Criteria: Invitae Variant Classification Sherloc (09022015). Collection method: clinical testing. Allele origin: unknown.
Comment: This variant results in a copy number gain of the genomic region encompassing exon(s) 14-24 of the RPGRIP1 gene. This region includes the termination codon of the gene. This copy number gain extends beyond the assayed region for this gene and therefore may encompass additional genes. As the precise location of this event is unknown, it may be in tandem or it may be located elsewhere in the genome. This variant has not been reported in the literature in individuals affected with RPGRIP1-related conditions. In summary, the available evidence is currently insufficient to determine the role of this variant in disease. Therefore, it has been classified as a Variant of Uncertain Significance.

NC_000014.8:g.(?_21792757)_(21819375_?)dup

Gene: RPGRIP1 (RPGR interacting protein 1; plus strand). Cytogenetic location: 14q11.2.
Variant type: Duplication.
Identifiers: ClinVar variation 3243982 (VCV003243982.1).